The following is an entry in ClinVar:

NM_005886.3(KATNB1):c.183C>T (p.Gly61=)

Gene: KATNB1 (katanin regulatory subunit B1; plus strand). Cytogenetic location: 16q21.
Variant type: single nucleotide variant.
Coding change: c.183C>T on transcript NM_005886.3 (MANE Select); coding-DNA position 183, C replaced by T.
Protein change: p.Gly61=; no amino-acid change (glycine 61 retained).
Molecular consequence: synonymous variant.
Genome position (GRCh38, 1-based): chr16:57,744,405, C>T. VCF-style: chr16-57744405-C-T. GRCh37 (hg19) VCF-style: chr16-57778317-C-T.
Identifiers: ClinVar variation 709149 (VCV000709149.18), dbSNP rs188837487, ClinGen allele CA8080656.

ClinVar aggregate classification (germline): Benign/Likely benign. Review status: criteria provided, multiple submitters, no conflicts (2 of 4 stars). 3 submissions from 3 submitters: Benign (1); Likely benign (2). Last evaluated 2026-01-29.

Allele frequency attached by ClinVar (database versions not stated): gnomAD 0.00013; gnomAD exomes 0.00019 and 0.00096; 1000 Genomes Project 0.00020; 1000 Genomes Project 30x 0.00031; TOPMed 0.00052; ExAC 0.00067.
gnomAD v4.1: 284 of 1,613,286 alleles (0.018%); highest among the groups gnomAD compares: Admixed American, 0.47%; 3 homozygotes.

Submissions (3):

Labcorp Genetics (formerly Invitae), Labcorp
Classification: Benign. Last evaluated: 2026-01-29. Review status: criteria provided, single submitter. Criteria: Invitae Variant Classification Sherloc (09022015). Collection method: clinical testing. Allele origin: germline.

CeGaT Center for Human Genetics Tuebingen
Classification: Likely benign. Last evaluated: 2025-12-01. Review status: criteria provided, single submitter. Criteria: CeGaT Center For Human Genetics Tuebingen Variant Classification Criteria Version 2. Collection method: clinical testing. Allele origin: germline. Affected: yes. Observed: 1 variant allele.
Comment: KATNB1: BP4, BP7

Genetic Services Laboratory, University of Chicago
Classification: Likely benign. Last evaluated: 2018-03-22. Review status: criteria provided, single submitter. Criteria: ACMG Guidelines, 2015. Collection method: clinical testing. Allele origin: germline. Affected: no.